The following is an entry in ClinVar:

NM_001370259.2(MEN1):c.264C>G (p.Ala88=)

Gene: MEN1 (menin 1; minus strand). Cytogenetic location: 11q13.1.
Variant type: single nucleotide variant.
Coding change: c.264C>G on transcript NM_001370259.2 (MANE Select); coding-DNA position 264, C replaced by G.
Protein change: p.Ala88=; no amino-acid change (alanine 88 retained).
Molecular consequence: synonymous variant. On other transcripts: non-coding transcript variant (4).
Genome position (GRCh38, 1-based): chr11:64,809,846, G>C on the plus strand (C>G on the coding strand, the complement: MEN1 is on the minus strand). VCF-style: chr11-64809846-G-C. GRCh37 (hg19) VCF-style: chr11-64577318-G-C.
Other names: c.264C>G, p.Ala88= (NM_000244.4, NM_001370251.2, NM_001370260.2 and 20 more transcripts).
Identifiers: ClinVar variation 4085750 (VCV004085750.8).

ClinVar aggregate classification (germline): Likely benign (1 of 4 stars; one submission).

Submission:

CeGaT Center for Human Genetics Tuebingen
Classification: Likely benign. Last evaluated: 2025-08-01. Review status: criteria provided, single submitter. Criteria: CeGaT Center For Human Genetics Tuebingen Variant Classification Criteria Version 2. Collection method: clinical testing. Allele origin: germline. Affected: yes. Observed: 1 variant allele.
Comment: MEN1: PM2:Supporting, BP4, BP7